The following is an entry in ClinVar:

ClinVar aggregate classification (germline): Uncertain significance (1 of 4 stars; one submission).

Conditions:
Dilated cardiomyopathy 1G (CMD1G). Identifiers: Orphanet 154, MedGen C1858763, MONDO:0011400, OMIM 604145.
Autosomal recessive limb-girdle muscular dystrophy type 2J (LGMDR10). Also called: Limb-girdle muscular dystrophy, type 2J; MUSCULAR DYSTROPHY, LIMB-GIRDLE, AUTOSOMAL RECESSIVE 10. Identifiers: Orphanet 140922, MedGen C1837342, MONDO:0012127, OMIM 608807.

Submission:

Labcorp Genetics (formerly Invitae), Labcorp
Classification: Uncertain significance for Dilated cardiomyopathy 1G; Autosomal recessive limb-girdle muscular dystrophy type 2J. Last evaluated: 2025-07-24. Review status: criteria provided, single submitter. Criteria: Invitae Variant Classification Sherloc (09022015). Collection method: clinical testing. Allele origin: germline.
Comment: This sequence change replaces phenylalanine, which is neutral and non-polar, with serine, which is neutral and polar, at codon 33882 of the TTN protein (p.Phe33882Ser). This variant is not present in population databases (gnomAD no frequency). This variant has not been reported in the literature in individuals affected with TTN-related conditions. ClinVar contains an entry for this variant (Variation ID: 2949021). Experimental studies and prediction algorithms are not available or were not evaluated, and the functional significance of this variant is currently unknown. This variant is located in the M band of TTN (PMID: 25589632). Variants in this region may be relevant for neuromuscular disorders, but have not been definitively shown to cause cardiomyopathy (PMID: 23975875). In summary, the available evidence is currently insufficient to determine the role of this variant in disease. Therefore, it has been classified as a Variant of Uncertain Significance.

Literature cited by the submitters: PubMed 25589632; PubMed 23975875.

NM_001267550.2(TTN):c.101645T>C (p.Phe33882Ser)

Genes: TTN-AS1 (TTN antisense RNA 1; plus strand), TTN (titin; minus strand). Cytogenetic location: 2q31.2.
Variant type: single nucleotide variant.
Coding change: c.101645T>C on transcript NM_001267550.2 (MANE Select); coding-DNA position 101645, T replaced by C.
Protein change: p.Phe33882Ser; replaces phenylalanine 33882 with serine.
Molecular consequence: missense variant.
Genome position (GRCh38, 1-based): chr2:178,534,970, A>G on the plus strand (T>C on the coding strand, the complement: TTN is on the minus strand). VCF-style: chr2-178534970-A-G. GRCh37 (hg19) VCF-style: chr2-179399697-A-G.
Other names: c.96722T>C, p.Phe32241Ser (NM_001256850.1); c.74450T>C, p.Phe24817Ser (NM_003319.4); c.93941T>C, p.Phe31314Ser (NM_133378.4); c.74825T>C, p.Phe24942Ser (NM_133432.3); c.75026T>C, p.Phe25009Ser (NM_133437.4); short protein forms F24817S, F25009S, F31314S, F32241S, F24942S, F33882S.
Identifiers: ClinVar variation 2949021 (VCV002949021.3), dbSNP rs1356109798, ClinGen allele CA349420074.